The following is an entry in ClinVar:

NM_000238.4(KCNH2):c.253G>A (p.Ala85Thr)

Gene: KCNH2 (potassium voltage-gated channel subfamily H member 2; minus strand). Cytogenetic location: 7q36.1.
Variant type: single nucleotide variant.
Coding change: c.253G>A on transcript NM_000238.4 (MANE Select); coding-DNA position 253, G replaced by A.
Protein change: p.Ala85Thr; replaces alanine 85 with threonine.
Molecular consequence: missense variant.
Genome position (GRCh38, 1-based): chr7:150,974,765, C>T on the plus strand (G>A on the coding strand, the complement: KCNH2 is on the minus strand). VCF-style: chr7-150974765-C-T. GRCh37 (hg19) VCF-style: chr7-150671853-C-T.
Other names: c.76G>A, p.Ala26Thr (NM_001406755.1); c.253G>A, p.Ala85Thr (NM_172056.3); short protein forms A85T, A26T.
Identifiers: ClinVar variation 456912 (VCV000456912.11), dbSNP rs199472850, ClinGen allele CA369865453.

ClinVar aggregate classification (germline): Uncertain significance. Review status: criteria provided, multiple submitters, no conflicts (2 of 4 stars). 2 submissions from 2 submitters: Uncertain significance (2). Last evaluated 2025-12-23.

Conditions:
Cardiovascular phenotype. Identifiers: MedGen CN230736.
Long QT syndrome (LQTS). Identifiers: MedGen C0023976, MeSH D008133, MONDO:0002442. Disease mechanism: loss of function. Inheritance: Various modes of inheritance.

Submissions (2):

Ambry Genetics
Classification: Uncertain significance for Cardiovascular phenotype. Last evaluated: 2025-12-23. Review status: criteria provided, single submitter. Criteria: Ambry Variant Classification Scheme 2023. Collection method: clinical testing. Allele origin: germline.
Comment: The p.A85T variant (also known as c.253G>A), located in coding exon 2 of the KCNH2 gene, results from a G to A substitution at nucleotide position 253. The alanine at codon 85 is replaced by threonine, an amino acid with similar properties. This amino acid position is highly conserved in available vertebrate species. In addition, this alteration is predicted to be deleterious by in silico analysis. Based on the available evidence, the clinical significance of this variant remains unclear.

Labcorp Genetics (formerly Invitae), Labcorp
Classification: Uncertain significance for Long QT syndrome. Last evaluated: 2022-02-05. Review status: criteria provided, single submitter. Criteria: Invitae Variant Classification Sherloc (09022015). Collection method: clinical testing. Allele origin: germline.
Comment: This sequence change replaces alanine, which is neutral and non-polar, with threonine, which is neutral and polar, at codon 85 of the KCNH2 protein (p.Ala85Thr). This variant is not present in population databases (gnomAD no frequency). This variant has not been reported in the literature in individuals affected with KCNH2-related conditions. ClinVar contains an entry for this variant (Variation ID: 456912). Algorithms developed to predict the effect of missense changes on protein structure and function are either unavailable or do not agree on the potential impact of this missense change (SIFT: "Tolerated"; PolyPhen-2: "Possibly Damaging"; Align-GVGD: "Class C0"). In summary, the available evidence is currently insufficient to determine the role of this variant in disease. Therefore, it has been classified as a Variant of Uncertain Significance.